The following is an entry in ClinVar:

NC_000019.10:g.(?_29702692)_(29714949_?)del

Gene: C19orf12 (chromosome 19 open reading frame 12; minus strand). Cytogenetic location: 19q12.
Variant type: Deletion.
Identifiers: ClinVar variation 831602 (VCV000831602.5).

ClinVar aggregate classification (germline): Uncertain significance (1 of 4 stars; one submission).

Conditions:
Hereditary spastic paraplegia 43. Also called: Spastic paraplegia 43, autosomal recessive. Identifiers: Orphanet 320370, MedGen C2680446, MONDO:0014024, OMIM 615043.

Submission:

Labcorp Genetics (formerly Invitae), Labcorp
Classification: Uncertain significance for Hereditary spastic paraplegia 43. Last evaluated: 2021-05-14. Review status: criteria provided, single submitter. Criteria: Invitae Variant Classification Sherloc (09022015). Collection method: clinical testing. Allele origin: germline.
Comment: This sequence change creates a premature translational stop signal (Deletion (Entire coding sequence)) in the C19orf12 gene. It is expected to result in an absent or disrupted protein product. However, the current clinical and genetic evidence is not sufficient to establish whether loss-of-function variants in C19orf12 cause disease. In summary, the available evidence is currently insufficient to determine the role of this variant in disease. Therefore, it has been classified as a Variant of Uncertain Significance. This variant has not been reported in the literature in individuals with C19orf12-related conditions.